The following is an entry in ClinVar:

ClinVar aggregate classification (germline): Likely benign (1 of 4 stars; one submission).

Allele frequency attached by ClinVar (database versions not stated): gnomAD exomes below 0.00001.
gnomAD v4.1: 5 of 1,611,722 alleles (0.00031%); highest among the groups gnomAD compares: Middle Eastern, 0.05%; no homozygotes.

Submission:

CeGaT Center for Human Genetics Tuebingen
Classification: Likely benign. Last evaluated: 2024-03-01. Review status: criteria provided, single submitter. Criteria: CeGaT Center For Human Genetics Tuebingen Variant Classification Criteria Version 2. Collection method: clinical testing. Allele origin: germline. Affected: yes. Observed: 1 variant allele.
Comment: FERRY3: PM2:Supporting, BP4, BP7

NM_020374.4(FERRY3):c.597A>G (p.Glu199=)

Gene: FERRY3 (FERRY endosomal RAB5 effector complex subunit 3; minus strand). Cytogenetic location: 12p13.32.
Variant type: single nucleotide variant.
Coding change: c.597A>G on transcript NM_020374.4 (MANE Select); coding-DNA position 597, A replaced by G.
Protein change: p.Glu199=; no amino-acid change (glutamic acid 199 retained).
Molecular consequence: synonymous variant. On other transcripts: 5 prime UTR variant (1), non-coding transcript variant (3).
Genome position (GRCh38, 1-based): chr12:4,525,493, T>C on the plus strand (A>G on the coding strand, the complement: FERRY3 is on the minus strand). VCF-style: chr12-4525493-T-C. GRCh37 (hg19) VCF-style: chr12-4634659-T-C.
Other names: c.597A>G, p.Glu199= (NM_001304811.2, NM_001346153.2, NM_001346155.2); c.78A>G, p.Glu26= (NM_001346156.2, NM_001346157.2); c.-149A>G (NM_001352962.2).
Identifiers: ClinVar variation 3067424 (VCV003067424.21), dbSNP rs956692604, ClinGen allele CA231800755.